The following is an entry in ClinVar:

NM_001042681.2(RERE):c.268G>C (p.Asp90His)

Gene: RERE (arginine-glutamic acid dipeptide repeats; minus strand). Cytogenetic location: 1p36.23.
Variant type: single nucleotide variant.
Coding change: c.268G>C on transcript NM_001042681.2 (MANE Select); coding-DNA position 268, G replaced by C.
Protein change: p.Asp90His; replaces aspartic acid 90 with histidine.
Molecular consequence: missense variant.
Genome position (GRCh38, 1-based): chr1:8,656,030, C>G on the plus strand (G>C on the coding strand, the complement: RERE is on the minus strand). VCF-style: chr1-8656030-C-G. GRCh37 (hg19) VCF-style: chr1-8716089-C-G.
Other names: c.268G>C, p.Asp90His (NM_012102.4); short protein forms D90H.
Identifiers: ClinVar variation 3633463 (VCV003633463.2).

ClinVar aggregate classification (germline): Uncertain significance (1 of 4 stars; one submission).

Submission:

Labcorp Genetics (formerly Invitae), Labcorp
Classification: Uncertain significance. Last evaluated: 2024-10-11. Review status: criteria provided, single submitter. Criteria: Invitae Variant Classification Sherloc (09022015). Collection method: clinical testing. Allele origin: germline.
Comment: This sequence change replaces aspartic acid, which is acidic and polar, with histidine, which is basic and polar, at codon 90 of the RERE protein (p.Asp90His). This variant is not present in population databases (gnomAD no frequency). This variant has not been reported in the literature in individuals affected with RERE-related conditions. Invitae Evidence Modeling of protein sequence and biophysical properties (such as structural, functional, and spatial information, amino acid conservation, physicochemical variation, residue mobility, and thermodynamic stability) indicates that this missense variant is not expected to disrupt RERE protein function with a negative predictive value of 95%. In summary, the available evidence is currently insufficient to determine the role of this variant in disease. Therefore, it has been classified as a Variant of Uncertain Significance.